The following is an entry in ClinVar:

ClinVar aggregate classification (germline): Conflicting classifications of pathogenicity. Review status: criteria provided, conflicting classifications (1 of 4 stars). 3 submissions from 3 submitters: Pathogenic (1); Likely pathogenic (1); Uncertain significance (1). Last evaluated 2026-09-17.

Conditions:
Atypical hemolytic-uremic syndrome. Identifiers: Orphanet 2134, MedGen C2931788, MONDO:0016244.
Familial Atypical Hemolytic-Uremic Syndrome. Identifiers: MedGen C4055018.

Submissions (3):

Genomenon, Inc
Classification: Pathogenic for Atypical hemolytic-uremic syndrome. Last evaluated: 2026-09-17. Review status: criteria provided, single submitter. Criteria: Genomenon Sequence Variant Interpretation Standards - Updated. Collection method: curation. Allele origin: germline. Affected: yes.
Comment: CD46 p.Phe242Cys (c.725T>G) is a missense variant that changes the amino acid at codon 242 from phenylalanine to cysteine. This variant has been observed in at least one proband affected with atypical hemolytic-uremic syndrome (PMID:30377230;28596415;20513133;16621965). The variant was found to segregate with disease in at least one affected family (PMID:16621965). At least one functional study has demonstrated a substantial alteration in protein function relative to the wild-type (PMID:16621965). This variant is located in a mutational hotspot and/or important functional domain. It is absent or not present at a significant frequency in gnomAD. In conclusion, we classify CD46 p.Phe242Cys (c.725T>G) as a pathogenic variant.

GeneDx
Classification: Uncertain significance. Last evaluated: 2026-03-24. Review status: criteria provided, single submitter. Criteria: GeneDx Variant Classification Process June 2021. Collection method: clinical testing. Allele origin: germline.
Comment: Identified heterozygous in patients with atypical hemolytic uremic syndrome and sometimes seen with a variant in another complement alternative pathway gene (PMID: 16621965, 28596415, 30377230, 23431077); Functional studies suggest that p.(F242C) results in decreased binding with C3b (PMID: 16621965); Not observed at significant frequency in large population cohorts (gnomAD); In silico analysis supports that this missense variant has a deleterious effect on protein structure/function; This variant is associated with the following publications: (PMID: 16621965, 20513133, 28596415, 33224962, 30377230, 23431077)

Women's Health and Genetics/Laboratory Corporation of America, LabCorp
Classification: Likely pathogenic for Familial Atypical Hemolytic-Uremic Syndrome. Last evaluated: 2025-02-25. Review status: criteria provided, single submitter. Criteria: LabCorp Variant Classification Summary - May 2015. Collection method: clinical testing. Allele origin: germline.
Comment: Variant summary: CD46 c.725T>G (p.Phe242Cys) results in a non-conservative amino acid change located in the 4th Sushi/SCR/CCP domain (IPR000436) of the encoded protein sequence. Three of five in-silico tools predict a benign effect of the variant on protein function. The variant was absent in 251288 control chromosomes. c.725T>G has been reported in the literature in individuals affected with Atypical Hemolytic Uremic Syndrome, but was also found in unaffected family members (Caprioli_2006, Bresin_2013, Maga_2010, Bu_2018, Bruel_2017, Piras_2020), most of these patients and some of the unaffected relatives also carried the variant CFH c.3581G>A (p.Gly1194Asp). One of these publications reported experimental evidence evaluating an impact on protein function and demonstrated severely decreased C3b (15% of the WT) binding ability (Caprioli_2006). In addition, a different missense affecting the same residue (F208A) was also reported to reduce C3b binding (Liszewski_2000), providing supportive evidence for the functional importance of the F208 (aka F242) residue. The following publications have been ascertained in the context of this evaluation (PMID: 16621965, 20513133, 23431077, 28596415, 30377230, 34004375, 33224962). ClinVar contains an entry for this variant (Variation ID: 3063973). Based on the evidence outlined above, the variant was classified as likely pathogenic.

Literature cited by the submitters: PubMed 30377230 (cited by Genomenon, Inc and Women's Health and Genetics/Laboratory Corporation of America, LabCorp); PubMed 28596415 (cited by Genomenon, Inc and Women's Health and Genetics/Laboratory Corporation of America, LabCorp); PubMed 20513133 (cited by Genomenon, Inc and Women's Health and Genetics/Laboratory Corporation of America, LabCorp); PubMed 16621965 (cited by Genomenon, Inc and Women's Health and Genetics/Laboratory Corporation of America, LabCorp); PubMed 23431077 (cited by Women's Health and Genetics/Laboratory Corporation of America, LabCorp); PubMed 34004375 (cited by Women's Health and Genetics/Laboratory Corporation of America, LabCorp); PubMed 33224962 (cited by Women's Health and Genetics/Laboratory Corporation of America, LabCorp).

NM_172351.3(CD46):c.725T>G (p.Phe242Cys)

Gene: CD46 (CD46 molecule; plus strand). Cytogenetic location: 1q32.2.
Variant type: single nucleotide variant.
Coding change: c.725T>G on transcript NM_172351.3 (MANE Select); coding-DNA position 725, T replaced by G.
Protein change: p.Phe242Cys; replaces phenylalanine 242 with cysteine.
Molecular consequence: missense variant.
Genome position (GRCh38, 1-based): chr1:207,767,064, T>G. VCF-style: chr1-207767064-T-G. GRCh37 (hg19) VCF-style: chr1-207940409-T-G.
Other names: c.725T>G, p.Phe242Cys (NM_002389.4, NM_153826.4, NM_172350.3 and 8 more transcripts); short protein forms F242C.
Identifiers: ClinVar variation 3063973 (VCV003063973.5), dbSNP rs2526528732, ClinGen allele CA344550868.
Genomic context (GRCh38, chr1:207,767,064, plus strand): 5'-ATTTTCCAGTGGTCAAATGTCGATTTCCAGTAGTCGAAAATGGAAAACAGATATCAGGAT[T>G]TGGAAAAAAATTTTACTACAAAGCAACAGTTATGTTTGAATGCGATAAGGGTTTTTACCT-3'
Protein context (NP_758861.1, residues 232-252): VVENGKQISG[Phe242Cys]GKKFYYKATV